The following is an entry in ClinVar:

ClinVar aggregate classification (germline): Likely benign (0 of 4 stars; one submission).

Conditions:
SOX3-related disorder. Also called: SOX3-related condition; SOX3-Related Disorders.

Submission:

PreventionGenetics, part of Exact Sciences
Classification: Likely benign for SOX3-related condition. Last evaluated: 2024-01-05. Review status: no assertion criteria provided. Collection method: clinical testing. Allele origin: germline.
Comment: This variant is classified as likely benign based on ACMG/AMP sequence variant interpretation guidelines (Richards et al. 2015 PMID: 25741868, with internal and published modifications).

NM_005634.3(SOX3):c.714_737del (p.Ala241_Ala248del)

Gene: SOX3 (SRY-box transcription factor 3; minus strand). Cytogenetic location: Xq27.1.
Variant type: Deletion.
Coding change: c.714_737del on transcript NM_005634.3 (MANE Select); coding-DNA positions 714 to 737, 24 bases deleted (CGCCGCTGCCGCGGCCGCAGCCGC).
Protein change: p.Ala241_Ala248del.
Genome position (GRCh38, 1-based): chrX:140,504,324-140,504,347, GCGGCTGCGGCCGCGGCAGCGGCG deleted on the plus strand (CGCCGCTGCCGCGGCCGCAGCCGC on the coding strand, the reverse complement: SOX3 is on the minus strand); deleting any 24 consecutive bases within chrX:140,504,324-140,504,352 gives the same sequence; the c. name uses the placement nearest the transcript's 3' end. VCF-style (leftmost placement, unchanged base first): chrX-140504323-AGCGGCTGCGGCCGCGGCAGCGGCG-A. GRCh37 (hg19) VCF-style: chrX-139586488-AGCGGCTGCGGCCGCGGCAGCGGCG-A.
Identifiers: ClinVar variation 3049721 (VCV003049721.2), dbSNP rs749137033, ClinGen allele CA10531622.